The following is an entry in ClinVar:

NM_018089.3(ANKZF1):c.772T>G (p.Ser258Ala)

Gene: ANKZF1 (ankyrin repeat and zinc finger peptidyl tRNA hydrolase 1; plus strand). Cytogenetic location: 2q35.
Variant type: single nucleotide variant.
Coding change: c.772T>G on transcript NM_018089.3 (MANE Select); coding-DNA position 772, T replaced by G.
Protein change: p.Ser258Ala; replaces serine 258 with alanine.
Molecular consequence: missense variant.
Genome position (GRCh38, 1-based): chr2:219,233,386, T>G. VCF-style: chr2-219233386-T-G. GRCh37 (hg19) VCF-style: chr2-220098108-T-G.
Other names: c.772T>G, p.Ser258Ala (NM_001042410.2); c.142T>G, p.Ser48Ala (NM_001282792.2); short protein forms S258A, S48A.
Identifiers: ClinVar variation 4777281 (VCV004777281.1).
Genomic context (GRCh38, chr2:219,233,386, plus strand): 5'-GTTCGGGCCAAGCGGGGCACAGCCCAGGGGCTTCGGGATGCCCGAGGTGGGCCATCACAC[T>G]CTGCTGGAGCCAACCTGAGGCGCTACAATGAAGCCACACTATATAAGGTGAGTTAAGCCT-3'
Protein context (NP_060559.2, residues 248-268): LRDARGGPSH[Ser258Ala]AGANLRRYNE

ClinVar aggregate classification (germline): Uncertain significance (1 of 4 stars; one submission).

gnomAD v4.1: 1 of 1,614,208 alleles (0.000062%); highest among the groups gnomAD compares: Non-Finnish European, 0.000085%; no homozygotes.

Submission:

Labcorp Genetics (formerly Invitae), Labcorp
Classification: Uncertain significance. Last evaluated: 2025-06-29. Review status: criteria provided, single submitter. Criteria: Invitae Variant Classification Sherloc (09022015). Collection method: clinical testing. Allele origin: germline.
Comment: This sequence change replaces serine, which is neutral and polar, with alanine, which is neutral and non-polar, at codon 258 of the ANKZF1 protein (p.Ser258Ala). This variant is not present in population databases (gnomAD no frequency). This variant has not been reported in the literature in individuals affected with ANKZF1-related conditions. An algorithm developed to predict the effect of missense changes on protein structure and function (PolyPhen-2) suggests that this variant is likely to be disruptive. In summary, the available evidence is currently insufficient to determine the role of this variant in disease. Therefore, it has been classified as a Variant of Uncertain Significance.